The following is an entry in ClinVar:

NM_001012301.4(ARSI):c.1594G>A (p.Glu532Lys)

Gene: ARSI (arylsulfatase family member I; minus strand). Cytogenetic location: 5q32.
Variant type: single nucleotide variant.
Coding change: c.1594G>A on transcript NM_001012301.4 (MANE Select); coding-DNA position 1594, G replaced by A.
Protein change: p.Glu532Lys; replaces glutamic acid 532 with lysine.
Molecular consequence: missense variant.
Genome position (GRCh38, 1-based): chr5:150,297,330, C>T on the plus strand (G>A on the coding strand, the complement: ARSI is on the minus strand). VCF-style: chr5-150297330-C-T. GRCh37 (hg19) VCF-style: chr5-149676893-C-T.
Other names: short protein forms E532K.
Identifiers: ClinVar variation 2914345 (VCV002914345.3), dbSNP rs781367883, ClinGen allele CA3510045.

ClinVar aggregate classification (germline): Uncertain significance (1 of 4 stars; one submission).

Conditions:
Spastic paraplegia. Identifiers: MedGen C0037772, HP:0001258.

Allele frequency attached by ClinVar (database versions not stated): gnomAD exomes below 0.00001; ExAC 0.00001; gnomAD 0.00001; TOPMed 0.00001.
gnomAD v4.1: 3 of 1,613,636 alleles (0.00019%); highest among the groups gnomAD compares: Admixed American, 0.005%; no homozygotes.

Submission:

Labcorp Genetics (formerly Invitae), Labcorp
Classification: Uncertain significance for Spastic paraplegia. Last evaluated: 2024-05-14. Review status: criteria provided, single submitter. Criteria: Invitae Variant Classification Sherloc (09022015). Collection method: clinical testing. Allele origin: germline.
Comment: This sequence change replaces glutamic acid, which is acidic and polar, with lysine, which is basic and polar, at codon 532 of the ARSI protein (p.Glu532Lys). This variant is present in population databases (rs781367883, gnomAD 0.006%). This variant has not been reported in the literature in individuals affected with ARSI-related conditions. An algorithm developed to predict the effect of missense changes on protein structure and function (PolyPhen-2) suggests that this variant is likely to be tolerated. In summary, the available evidence is currently insufficient to determine the role of this variant in disease. Therefore, it has been classified as a Variant of Uncertain Significance.